The following is an entry in ClinVar:

ClinVar aggregate classification (germline): Uncertain significance (1 of 4 stars; one submission).

Conditions:
Hereditary cancer-predisposing syndrome. Also called: Hereditary Cancer Syndrome; Tumor predisposition; Hereditary neoplastic syndrome; Neoplastic Syndromes, Hereditary. Identifiers: Orphanet 140162, MedGen C0027672, MeSH D009386, MONDO:0015356.
Cardiovascular phenotype. Identifiers: MedGen CN230736.

Submission:

Ambry Genetics
Classification: Uncertain significance for Cardiovascular phenotype; Hereditary cancer-predisposing syndrome. Last evaluated: 2024-11-25. Review status: criteria provided, single submitter. Criteria: Ambry Variant Classification Scheme 2023. Collection method: clinical testing. Allele origin: germline.
Comment: The p.R2062S variant (also known as c.6184C>A), located in coding exon 41 of the NF1 gene, results from a C to A substitution at nucleotide position 6184. The arginine at codon 2062 is replaced by serine, an amino acid with dissimilar properties. This amino acid position is conserved. In addition, this alteration is predicted to be deleterious by in silico analysis. Based on the available evidence, the clinical significance of this variant remains unclear.

NM_001042492.3(NF1):c.6247C>A (p.Arg2083Ser)

Gene: NF1 (neurofibromin 1; plus strand). Cytogenetic location: 17q11.2.
Variant type: single nucleotide variant.
Coding change: c.6247C>A on transcript NM_001042492.3 (MANE Select); coding-DNA position 6247, C replaced by A.
Protein change: p.Arg2083Ser; replaces arginine 2083 with serine.
Molecular consequence: missense variant.
Genome position (GRCh38, 1-based): chr17:31,336,734, C>A. VCF-style: chr17-31336734-C-A. GRCh37 (hg19) VCF-style: chr17-29663752-C-A.
Other names: c.6184C>A, p.Arg2062Ser (NM_000267.4); short protein forms R2062S, R2083S.
Identifiers: ClinVar variation 3404940 (VCV003404940.1).